The following is an entry in ClinVar:

ClinVar aggregate classification (germline): Likely pathogenic (1 of 4 stars; one submission).

Conditions:
Immunodeficiency, common variable, 2 (CVID2). Also called: ANTIBODY DEFICIENCY DUE TO TACI DEFECT; HYPOGAMMAGLOBULINEMIA DUE TO TACI DEFICIENCY. Identifiers: Orphanet 1572, MedGen C3150354, MONDO:0009413, OMIM 240500.
Immunoglobulin A deficiency 2 (IGAD2). Identifiers: MedGen C1836032, MONDO:0012291, OMIM 609529.

Submission:

Juno Genomics, Hangzhou Juno Genomics, Inc
Classification: Likely pathogenic for Immunodeficiency, common variable, 2; Immunoglobulin A deficiency 2. Review status: criteria provided, single submitter. Criteria: ACMG Guidelines, 2015. Collection method: clinical testing. Allele origin: germline.
Comment: Null variant in a gene where loss of function (LOF) is a known mechanism of disease.;Absent from controls (or at extremely low frequency if recessive) in Genome Aggregation Database.

NM_012452.3(TNFRSF13B):c.105del (p.Glu36fs)

Gene: TNFRSF13B (TNF receptor superfamily member 13B; minus strand). Cytogenetic location: 17p11.2.
Variant type: Deletion.
Coding change: c.105del on transcript NM_012452.3 (MANE Select); coding-DNA position 105, one base deleted (C; older notation c.105delC).
Protein change: p.Glu36fs; shifts the reading frame from glutamic acid 36.
Molecular consequence: frameshift variant.
Genome position (GRCh38, 1-based): chr17:16,952,540, G deleted on the plus strand (C on the coding strand, the reverse complement: TNFRSF13B is on the minus strand); the first of 4 consecutive G bases (chr17:16,952,540-16,952,543); deleting any one gives the same sequence. VCF-style (leftmost placement, unchanged base first): chr17-16952539-CG-C. GRCh37 (hg19) VCF-style: chr17-16855853-CG-C.
Other names: short protein forms E36fs.
Identifiers: ClinVar variation 5005701 (VCV005005701.2).